The following is an entry in ClinVar:

ClinVar aggregate classification (germline): Pathogenic/Likely pathogenic. Review status: criteria provided, multiple submitters, no conflicts (2 of 4 stars). 2 submissions from 2 submitters: Pathogenic (1); Likely pathogenic (1). Last evaluated 2024-04-05.

Conditions:
Nephronophthisis 3 (NPHP3). Also called: Adolescent nephronophthisis. Identifiers: Orphanet 655, MedGen C1858392, MONDO:0011456, OMIM 604387.
Renal-hepatic-pancreatic dysplasia 1 (RHPD1). Identifiers: MedGen C3715199, MONDO:0008833, OMIM 208540.
NPHP3-related Meckel-like syndrome. Also called: GOLDSTON SYNDROME; Meckel syndrome type 7. Identifiers: Orphanet 3032, MedGen C2673885, MONDO:0009966, OMIM 267010.

Allele frequency attached by ClinVar (database versions not stated): gnomAD exomes below 0.00001; gnomAD 0.00001; TOPMed 0.00002.

Submissions (2):

Fulgent Genetics
Classification: Likely pathogenic for Renal-hepatic-pancreatic dysplasia 1; NPHP3-related Meckel-like syndrome; Nephronophthisis 3. Last evaluated: 2024-04-05. Review status: criteria provided, single submitter. Criteria: ACMG Guidelines, 2015. Collection method: clinical testing. Allele origin: germline.

GeneDx
Classification: Pathogenic. Last evaluated: 2016-09-09. Review status: criteria provided, single submitter. Criteria: GeneDx Variant Classification (06012015). Collection method: clinical testing. Allele origin: germline. Affected: yes.
Comment: The c.2T>C pathogenic variant in the NPHP3 gene has not been reported previously as a pathogenic variant nor as a benign variant, to our knowledge. As this pathogenic variant changes the translation initiator Methionine codon, the resultant protein is described as p.Met1?, using a question mark to signify that it is not known if the loss of Met1 means that all protein translation is completely prevented or if an abnormal protein is produced using an alternate Methionine. The c.2T>C variant was not observed in approximately 5,500 individuals of European and African American ancestry in the NHLBI Exome Sequencing Project, indicating it is not a common benign variant in these populations. We interpret c.2T>C as a pathogenic variant.

NM_153240.5(NPHP3):c.2T>C (p.Met1Thr)

Genes: NPHP3-AS1 (NPHP3 antisense RNA 1; plus strand), NPHP3-ACAD11 (NPHP3-ACAD11 readthrough (NMD candidate); minus strand), NPHP3 (nephrocystin 3; minus strand). Cytogenetic location: 3q22.1.
Variant type: single nucleotide variant.
Coding change: c.2T>C on transcript NM_153240.5 (MANE Select); coding-DNA position 2, T replaced by C.
Protein change: p.Met1Thr; changes the start codon (methionine 1).
Molecular consequence: missense variant, initiator codon variant. On other transcripts: non-coding transcript variant (3).
Genome position (GRCh38, 1-based): chr3:132,722,354, A>G on the plus strand (T>C on the coding strand, the complement: NPHP3 is on the minus strand). VCF-style: chr3-132722354-A-G. GRCh37 (hg19) VCF-style: chr3-132441198-A-G.
Other names: short protein forms M1T.
Identifiers: ClinVar variation 280859 (VCV000280859.4), dbSNP rs886041990, ClinGen allele CA10602883.
Genomic context (GRCh38, chr3:132,722,354, plus strand): 5'-CCGTACGTGTCCTCGATCACTTCCCCGCCCGCGGGGCTCACGAGCGACGAGGCGGTCCCC[A>G]TGGCGTCCGTTGCCGCTACTACCTAGTGAGTACCAGCAGGACTGGGCAGCGGAACGGAAC-3'
Protein context (NP_694972.3, residues 1-11): [Met1Thr]GTASSLVSPA